The following is an entry in ClinVar:

ClinVar aggregate classification (germline): Uncertain significance (1 of 4 stars; one submission).

Conditions:
Familial adenomatous polyposis 1 (FAP1). Also called: POLYPOSIS, ADENOMATOUS INTESTINAL; FAMILIAL ADENOMATOUS POLYPOSIS 1, ATTENUATED. Identifiers: MedGen C2713442, MONDO:0021056, OMIM 175100. Disease mechanism: loss of function.

Submission:

Labcorp Genetics (formerly Invitae), Labcorp
Classification: Uncertain significance for Familial adenomatous polyposis 1. Last evaluated: 2023-05-31. Review status: criteria provided, single submitter. Criteria: Invitae Variant Classification Sherloc (09022015). Collection method: clinical testing. Allele origin: germline.
Comment: In summary, the available evidence is currently insufficient to determine the role of this variant in disease. Therefore, it has been classified as a Variant of Uncertain Significance. Advanced modeling of protein sequence and biophysical properties (such as structural, functional, and spatial information, amino acid conservation, physicochemical variation, residue mobility, and thermodynamic stability) performed at Invitae indicates that this missense variant is not expected to disrupt APC protein function. This variant has not been reported in the literature in individuals affected with APC-related conditions. This variant is not present in population databases (gnomAD no frequency). This sequence change replaces lysine, which is basic and polar, with threonine, which is neutral and polar, at codon 2386 of the APC protein (p.Lys2386Thr).

NM_000038.6(APC):c.7157A>C (p.Lys2386Thr)

Gene: APC (APC regulator of Wnt signaling pathway; plus strand). Cytogenetic location: 5q22.2.
Variant type: single nucleotide variant.
Coding change: c.7157A>C on transcript NM_000038.6 (MANE Select); coding-DNA position 7157, A replaced by C.
Protein change: p.Lys2386Thr; replaces lysine 2386 with threonine.
Molecular consequence: missense variant. On other transcripts: non-coding transcript variant (2).
Genome position (GRCh38, 1-based): chr5:112,842,751, A>C. VCF-style: chr5-112842751-A-C. GRCh37 (hg19) VCF-style: chr5-112178448-A-C.
Other names: c.7157A>C, p.Lys2386Thr (NM_001127510.3, NM_001354895.2, NM_001407450.1); c.7103A>C, p.Lys2368Thr (NM_001127511.3); c.7211A>C, p.Lys2404Thr (NM_001354896.2, NM_001407447.1, NM_001407448.1 and 1 more transcripts); c.7187A>C, p.Lys2396Thr (NM_001354897.2); c.7082A>C, p.Lys2361Thr (NM_001354898.2); c.7073A>C, p.Lys2358Thr (NM_001354899.2); c.7034A>C, p.Lys2345Thr (NM_001354900.2); c.6980A>C, p.Lys2327Thr (NM_001354901.2, NM_001407453.1); and 11 more; short protein forms K2002T, K2226T, K2295T, K2345T, K2361T, K2414T, K2257T, K2379T.
Identifiers: ClinVar variation 2752896 (VCV002752896.3), dbSNP rs1554088082, ClinGen allele CA16036915.
Genomic context (GRCh38, chr5:112,842,751, plus strand): 5'-ATACATCTCCAGGTAGACAGATGAGCCAACAGAACCTTACCAAACAAACAGGTTTATCCA[A>C]GAATGCCAGTAGTATTCCAAGAAGTGAGTCTGCCTCCAAAGGACTAAATCAGATGAATAA-3'
Protein context (NP_000029.2, residues 2376-2396): QNLTKQTGLS[Lys2386Thr]NASSIPRSES